The following is an entry in ClinVar:

ClinVar aggregate classification (germline): Uncertain significance (1 of 4 stars; one submission).

Conditions:
Glycogen storage disease, type II (IOPD). Also called: Pompe Disease; POMPE DISEASE, INFANTILE-ONSET; GLYCOGEN STORAGE DISEASE II, INFANTILE-ONSET; ACID ALPHA-GLUCOSIDASE DEFICIENCY, INFANTILE-ONSET; GAA DEFICIENCY, INFANTILE-ONSET; ACID MALTASE DEFICIENCY, INFANTILE-ONSET. Identifiers: Orphanet 365, MedGen C0017921, MONDO:0009290, OMIM 232300.

Allele frequency attached by ClinVar (database versions not stated): ExAC 0.00002.
gnomAD v4.1: 3 of 1,612,744 alleles (0.00019%); highest among the groups gnomAD compares: South Asian, 0.0033%; no homozygotes.

Submission:

Labcorp Genetics (formerly Invitae), Labcorp
Classification: Uncertain significance for Glycogen storage disease, type II. Last evaluated: 2022-11-03. Review status: criteria provided, single submitter. Criteria: Invitae Variant Classification Sherloc (09022015). Collection method: clinical testing. Allele origin: germline.
Comment: In summary, the available evidence is currently insufficient to determine the role of this variant in disease. Therefore, it has been classified as a Variant of Uncertain Significance. Advanced modeling of protein sequence and biophysical properties (such as structural, functional, and spatial information, amino acid conservation, physicochemical variation, residue mobility, and thermodynamic stability) performed at Invitae indicates that this missense variant is not expected to disrupt GAA protein function. This variant has not been reported in the literature in individuals affected with GAA-related conditions. This variant is present in population databases (rs780027584, gnomAD 0.007%). This sequence change replaces glutamine, which is neutral and polar, with glutamic acid, which is acidic and polar, at codon 100 of the GAA protein (p.Gln100Glu).

NM_000152.5(GAA):c.298C>G (p.Gln100Glu)

Gene: GAA (alpha glucosidase; plus strand). Cytogenetic location: 17q25.3.
Variant type: single nucleotide variant.
Coding change: c.298C>G on transcript NM_000152.5 (MANE Select); coding-DNA position 298, C replaced by G.
Protein change: p.Gln100Glu; replaces glutamine 100 with glutamic acid.
Molecular consequence: missense variant.
Genome position (GRCh38, 1-based): chr17:80,104,884, C>G. VCF-style: chr17-80104884-C-G. GRCh37 (hg19) VCF-style: chr17-78078683-C-G.
Other names: c.298C>G, p.Gln100Glu (NM_001079803.3, NM_001079804.3, NM_001406741.1 and 1 more transcripts); short protein forms Q100E.
Identifiers: ClinVar variation 2875483 (VCV002875483.3), dbSNP rs780027584, ClinGen allele CA8814843.